The following is an entry in ClinVar:

ClinVar aggregate classification (germline): Pathogenic (1 of 4 stars; one submission).

Conditions:
Hereditary spastic paraplegia 11. Also called: Nakamura Osame syndrome; Autosomal recessive hereditary spastic paraplegia, mental impairment, and thin corpus callosum; Spastic Paraplegia 11; Spastic paraplegia, mental retardation and thin corpus callosum; SPASTIC PARAPLEGIA, AUTOSOMAL RECESSIVE, COMPLICATED, WITH THIN CORPUS CALLOSUM; SPASTIC PARAPLEGIA, AUTOSOMAL RECESSIVE, WITH MENTAL IMPAIRMENT AND THIN CORPUS CALLOSUM. Identifiers: Orphanet 2822, MedGen C1858479, MONDO:0011445, OMIM 604360.

Submission:

Labcorp Genetics (formerly Invitae), Labcorp
Classification: Pathogenic for Hereditary spastic paraplegia 11. Last evaluated: 2022-07-12. Review status: criteria provided, single submitter. Criteria: Invitae Variant Classification Sherloc (09022015). Collection method: clinical testing. Allele origin: germline.
Comment: For these reasons, this variant has been classified as Pathogenic. This variant disrupts a region of the SPG11 protein in which other variant(s) (p.His2388Thrfs*6) have been determined to be pathogenic (Invitae). This suggests that this is a clinically significant region of the protein, and that variants that disrupt it are likely to be disease-causing. This variant has not been reported in the literature in individuals affected with SPG11-related conditions. This variant is a gross deletion of the genomic region encompassing exon(s) 2-40 of the SPG11 gene, which includes the termination codon. This deletion extends beyond the assayed region for this gene and therefore may encompass additional genes. While this deletion is not anticipated to lead to nonsense mediated decay, it is expected to alter mRNA translation or result in a truncated protein product.

NC_000015.9:g.(?_44855319)_(44952834_?)del

Gene: SPG11 (SPG11 vesicle trafficking associated, spatacsin; minus strand). Cytogenetic location: 15q21.1.
Variant type: Deletion.
Identifiers: ClinVar variation 2426920 (VCV002426920.4).